The following is an entry in ClinVar:

NM_018163.3(DNAJC17):c.709C>G (p.Leu237Val)

Gene: DNAJC17 (DnaJ heat shock protein family (Hsp40) member C17; minus strand). Cytogenetic location: 15q15.1.
Variant type: single nucleotide variant.
Coding change: c.709C>G on transcript NM_018163.3 (MANE Select); coding-DNA position 709, C replaced by G.
Protein change: p.Leu237Val; replaces leucine 237 with valine.
Molecular consequence: missense variant.
Genome position (GRCh38, 1-based): chr15:40,773,810, G>C on the plus strand (C>G on the coding strand, the complement: DNAJC17 is on the minus strand). VCF-style: chr15-40773810-G-C. GRCh37 (hg19) VCF-style: chr15-41066008-G-C.
Other names: short protein forms L237V.
Identifiers: ClinVar variation 1427359 (VCV001427359.6), dbSNP rs137974822, ClinGen allele CA7485032.

ClinVar aggregate classification (germline): Uncertain significance (1 of 4 stars; one submission).

Allele frequency attached by ClinVar (database versions not stated): gnomAD 0.00023 and 0.00025; gnomAD exomes 0.00024; ExAC 0.00025; TOPMed 0.00028; ESP Exome Variant Server 0.00031.
gnomAD v4.1: 941 of 1,613,926 alleles (0.058%); highest among the groups gnomAD compares: Non-Finnish European, 0.076%; no homozygotes.

Submission:

Labcorp Genetics (formerly Invitae), Labcorp
Classification: Uncertain significance. Last evaluated: 2026-01-26. Review status: criteria provided, single submitter. Criteria: Invitae Variant Classification Sherloc (09022015). Collection method: clinical testing. Allele origin: germline.
Comment: This sequence change replaces leucine, which is neutral and non-polar, with valine, which is neutral and non-polar, at codon 237 of the DNAJC17 protein (p.Leu237Val). This variant is present in population databases (rs137974822, gnomAD 0.05%), and has an allele count higher than expected for a pathogenic variant. This variant has not been reported in the literature in individuals affected with DNAJC17-related conditions. ClinVar contains an entry for this variant (Variation ID: 1427359). An algorithm developed to predict the effect of missense changes on protein structure and function (PolyPhen-2) suggests that this variant is likely to be disruptive. In summary, the available evidence is currently insufficient to determine the role of this variant in disease. Therefore, it has been classified as a Variant of Uncertain Significance.